The following is an entry in ClinVar:

NM_002439.5(MSH3):c.1750C>T (p.Leu584Phe)

Gene: MSH3 (mutS homolog 3; plus strand). Cytogenetic location: 5q14.1.
Variant type: single nucleotide variant.
Coding change: c.1750C>T on transcript NM_002439.5 (MANE Select); coding-DNA position 1750, C replaced by T.
Protein change: p.Leu584Phe; replaces leucine 584 with phenylalanine.
Molecular consequence: missense variant.
Genome position (GRCh38, 1-based): chr5:80,744,602, C>T. VCF-style: chr5-80744602-C-T. GRCh37 (hg19) VCF-style: chr5-80040421-C-T.
Other names: short protein forms L584F.
Identifiers: ClinVar variation 5024826 (VCV005024826.1).
Genomic context (GRCh38, chr5:80,744,602, plus strand): 5'-TTAGACCACACTAAAACTTCATTTGGGAGACGGAAGTTAAAGAAGTGGGTGACCCAGCCA[C>T]TCCTTAAATTAAGGTAAAAGGAATTCTTTTTGGGGTGTTTAATCTGAAATTATAAAATTT-3'
Protein context (NP_002430.3, residues 574-594): RKLKKWVTQP[Leu584Phe]LKLREINARL

ClinVar aggregate classification (germline): Uncertain significance (1 of 4 stars; one submission).

Conditions:
Hereditary cancer-predisposing syndrome. Also called: Neoplastic Syndromes, Hereditary; Tumor predisposition; Hereditary neoplastic syndrome; Hereditary Cancer Syndrome. Identifiers: Orphanet 140162, MedGen C0027672, MeSH D009386, MONDO:0015356.

Submission:

Ambry Genetics
Classification: Uncertain significance for Hereditary cancer-predisposing syndrome. Last evaluated: 2026-08-15. Review status: criteria provided, single submitter. Criteria: Ambry Variant Classification Scheme 2023. Collection method: clinical testing. Allele origin: germline.
Comment: The p.L584F variant (also known as c.1750C>T), located in coding exon 12 of the MSH3 gene, results from a C to T substitution at nucleotide position 1750. The leucine at codon 584 is replaced by phenylalanine, an amino acid with highly similar properties. This amino acid position is conserved. In addition, this alteration is predicted to be deleterious by in silico analysis. Based on the available evidence, the clinical significance of this variant remains unclear.